The following is an entry in ClinVar:

ClinVar aggregate classification (germline): Uncertain significance (1 of 4 stars; one submission).

Submission:

Labcorp Genetics (formerly Invitae), Labcorp
Classification: Uncertain significance. Last evaluated: 2022-08-22. Review status: criteria provided, single submitter. Criteria: Invitae Variant Classification Sherloc (09022015). Collection method: clinical testing. Allele origin: germline.
Comment: In summary, the available evidence is currently insufficient to determine the role of this variant in disease. Therefore, it has been classified as a Variant of Uncertain Significance. Experimental studies and prediction algorithms are not available or were not evaluated, and the functional significance of this variant is currently unknown. This variant has not been reported in the literature in individuals affected with TIMM50-related conditions. This variant is present in population databases (no rsID available, gnomAD 0.003%). This sequence change results in a frameshift in the TIMM50 gene (p.Gly443Alafs*100). While this is not anticipated to result in nonsense mediated decay, it is expected to disrupt the last 14 amino acid(s) of the TIMM50 protein and extend the protein by 85 additional amino acid residues.

NM_001001563.5(TIMM50):c.1015del (p.Gly340fs)

Gene: TIMM50 (translocase of inner mitochondrial membrane 50; plus strand). Cytogenetic location: 19q13.2.
Variant type: Deletion.
Coding change: c.1015del on transcript NM_001001563.5 (MANE Select); coding-DNA position 1015, one base deleted (C; older notation c.1015delC).
Protein change: p.Gly340fs; shifts the reading frame from glycine 340.
Molecular consequence: frameshift variant.
Genome position (GRCh38, 1-based): chr19:39,489,773, C deleted; the last of 2 consecutive C bases (chr19:39,489,772-39,489,773); deleting either gives the same sequence. VCF-style (leftmost placement, unchanged base first): chr19-39489771-TC-T. GRCh37 (hg19) VCF-style: chr19-39980411-TC-T.
Other names: c.676del, p.Gly227fs (NM_001329559.2); short protein forms G340fs, G227fs.
Identifiers: ClinVar variation 1941642 (VCV001941642.5), dbSNP rs1366697006, ClinGen allele CA633080899.